The following is an entry in ClinVar:

ClinVar aggregate classification (germline): Pathogenic (1 of 4 stars; one submission).

Submission:

GeneDx
Classification: Pathogenic. Last evaluated: 2017-09-19. Review status: criteria provided, single submitter. Criteria: GeneDx Variant Classification (06012015). Collection method: clinical testing. Allele origin: germline. Affected: yes.
Comment: The c.3 G>T variant has not been published as a pathogenic variant, nor has it been reported as a benign variant to our knowledge. Another variant at this nucleotide c.3 G>A has been published in association with Hyperparathyroidism-Jaw Tumor Syndrome (HPT-JT) (Carpten et al., 2002). The c.3 G>T variant is not observed in large population cohorts (Lek et al., 2016; 1000 Genomes Consortium et al., 2015; Exome Variant Server). The variant alters the initiator Methionine codon, and it is not known if the loss of the Met1 residue means that all protein translation is completely prevented or if an abnormal protein is produced using an alternate Met codon. This variant is classified as pathogenic.

NM_024529.5(CDC73):c.3G>T (p.Met1Ile)

Gene: CDC73 (cell division cycle 73; plus strand). Cytogenetic location: 1q31.2.
Variant type: single nucleotide variant.
Coding change: c.3G>T on transcript NM_024529.5 (MANE Select); coding-DNA position 3, G replaced by T.
Protein change: p.Met1Ile; changes the start codon (methionine 1).
Molecular consequence: missense variant, initiator codon variant.
Genome position (GRCh38, 1-based): chr1:193,122,203, G>T. VCF-style: chr1-193122203-G-T. GRCh37 (hg19) VCF-style: chr1-193091333-G-T.
Other names: short protein forms M1I.
Identifiers: ClinVar variation 489059 (VCV000489059.3), dbSNP rs28942098, ClinGen allele CA343972728.